The following is an entry in ClinVar:

ClinVar aggregate classification (germline): Uncertain significance (1 of 4 stars; one submission).

Conditions:
RASopathy. Also called: Noonan spectrum disorder; rasopathies. Identifiers: Orphanet 536391, MedGen C5555857, MONDO:0021060.

Submission:

Labcorp Genetics (formerly Invitae), Labcorp
Classification: Uncertain significance for RASopathy. Last evaluated: 2022-10-01. Review status: criteria provided, single submitter. Criteria: Invitae Variant Classification Sherloc (09022015). Collection method: clinical testing. Allele origin: germline.
Comment: In summary, the available evidence is currently insufficient to determine the role of this variant in disease. Therefore, it has been classified as a Variant of Uncertain Significance. Experimental studies and prediction algorithms are not available or were not evaluated, and the functional significance of this variant is currently unknown. This variant has not been reported in the literature in individuals affected with CBL-related conditions. This variant is not present in population databases (gnomAD no frequency). This sequence change creates a premature translational stop signal (p.Ala786Profs*80) in the CBL gene. While this is not anticipated to result in nonsense mediated decay, it is expected to disrupt the last 121 amino acid(s) of the CBL protein.

NM_005188.4(CBL):c.2356del (p.Ala786fs)

Gene: CBL (Cbl proto-oncogene; plus strand). Cytogenetic location: 11q23.3.
Variant type: Deletion.
Coding change: c.2356del on transcript NM_005188.4 (MANE Select); coding-DNA position 2356, one base deleted (G; older notation c.2356delG).
Protein change: p.Ala786fs; shifts the reading frame from alanine 786.
Molecular consequence: frameshift variant.
Genome position (GRCh38, 1-based): chr11:119,298,462, G deleted; the last of 2 consecutive G bases (chr11:119,298,461-119,298,462); deleting either gives the same sequence. VCF-style (leftmost placement, unchanged base first): chr11-119298460-TG-T. GRCh37 (hg19) VCF-style: chr11-119169170-TG-T.
Other names: short protein forms A786fs.
Identifiers: ClinVar variation 2033542 (VCV002033542.4), dbSNP rs2496973865, ClinGen allele CA2580083741.